The following is an entry in ClinVar:

ClinVar aggregate classification (germline): Pathogenic/Likely pathogenic. Review status: criteria provided, multiple submitters, no conflicts (2 of 4 stars). 2 submissions from 2 submitters: Pathogenic (1); Likely pathogenic (1). Last evaluated 2024-12-11.

Conditions:
Sandhoff disease. Also called: Beta-hexosaminidase-beta-subunit deficiency; GM2 gangliosidosis, type 2; Total hexosaminidase deficiency; Sandhoff-Jatzkewitz-Pilz disease; GM2-GANGLIOSIDOSIS, TYPE II; HEXOSAMINIDASES A AND B DEFICIENCY. Identifiers: Orphanet 796, MedGen C0036161, MONDO:0010006, OMIM 268800.

Allele frequency attached by ClinVar (database versions not stated): gnomAD 0.00001; TOPMed 0.00001.

Submissions (2):

Natera, Inc.
Classification: Likely pathogenic for Sandhoff disease. Last evaluated: 2024-12-11. Review status: criteria provided, single submitter. Criteria: Natera Variant Classification Schema (03/2026). Collection method: clinical testing. Allele origin: germline.
Comment: The c.1408_1409insCA variant in HEXB is a frameshift variant predicted to shift the reading frame beginning at codon 470 and leads to a stop codon 61 codons downstream. This variant is expected to result in nonsense mediated decay, truncation, or a dysfunctional protein product. This variant is rare in the general population with a frequency below the threshold expected for the associated phenotype(s). Given the available evidence, this variant is classified as Likely Pathogenic.

Labcorp Genetics (formerly Invitae), Labcorp
Classification: Pathogenic for Sandhoff disease. Last evaluated: 2023-10-19. Review status: criteria provided, single submitter. Criteria: Invitae Variant Classification Sherloc (09022015). Collection method: clinical testing. Allele origin: germline.
Comment: This sequence change creates a premature translational stop signal (p.Asp470Alafs*61) in the HEXB gene. While this is not anticipated to result in nonsense mediated decay, it is expected to disrupt the last 87 amino acid(s) of the HEXB protein. This variant is not present in population databases (gnomAD no frequency). This variant has not been reported in the literature in individuals affected with HEXB-related conditions. This variant disrupts a region of the HEXB protein in which other variant(s) (p.Cys534*) have been determined to be pathogenic (PMID: 29448188, 30075786; Invitae). This suggests that this is a clinically significant region of the protein, and that variants that disrupt it are likely to be disease-causing. For these reasons, this variant has been classified as Pathogenic.

Literature cited by the submitters: PubMed 29448188 (cited by Labcorp Genetics (formerly Invitae), Labcorp); PubMed 30075786 (cited by Labcorp Genetics (formerly Invitae), Labcorp).

NM_000521.4(HEXB):c.1408_1409insCA (p.Asp470fs)

Gene: HEXB (hexosaminidase subunit beta; plus strand). Cytogenetic location: 5q13.3.
Variant type: Insertion.
Coding change: c.1408_1409insCA on transcript NM_000521.4 (MANE Select); coding-DNA positions 1408 to 1409, CA inserted.
Protein change: p.Asp470fs; shifts the reading frame from aspartic acid 470.
Molecular consequence: frameshift variant.
Genome position: GRCh38 VCF-style: chr5-74718962-G-GCA. GRCh37 (hg19) VCF-style: chr5-74014787-G-GCA.
Other names: c.733_734insCA, p.Asp245fs (NM_001292004.2); c.1408_1409insCA (NM_000521.3); short protein forms D470fs, D245fs.
Identifiers: ClinVar variation 2868284 (VCV002868284.4), dbSNP rs1208761835, ClinGen allele CA813920075.
Genomic context (GRCh38, chr5:74,718,962, plus strand): 5'-TACTTAGATTTGATTAGCTATGGACAAGATTGGAGGAAATACTATAAAGTGGAACCTCTT[G>GCA]ATTTTGGCGGTAAGTGAAGCAGTTGGTCCAAGTGTTGTGGGTTACTGTGAAGCTGATGGT-3'